The following is an entry in ClinVar:

ClinVar aggregate classification (germline): Conflicting classifications of pathogenicity. Review status: criteria provided, conflicting classifications (1 of 4 stars). 2 submissions from 2 submitters: Uncertain significance (1); Likely benign (1). Last evaluated 2025-12-21.

Conditions:
Hereditary cancer-predisposing syndrome. Also called: Hereditary Cancer Syndrome; Hereditary neoplastic syndrome; Neoplastic Syndromes, Hereditary; Tumor predisposition. Identifiers: Orphanet 140162, MedGen C0027672, MeSH D009386, MONDO:0015356.

Allele frequency attached by ClinVar (database versions not stated): gnomAD exomes below 0.00001.
gnomAD v4.1: 1 of 1,613,776 alleles (0.000062%); highest among the groups gnomAD compares: Non-Finnish European, 0.000085%; no homozygotes.

Submissions (2):

Labcorp Genetics (formerly Invitae), Labcorp
Classification: Likely benign. Last evaluated: 2025-12-21. Review status: criteria provided, single submitter. Criteria: Invitae Variant Classification Sherloc (09022015). Collection method: clinical testing. Allele origin: germline.

Ambry Genetics
Classification: Uncertain significance for Hereditary cancer-predisposing syndrome. Last evaluated: 2025-03-17. Review status: criteria provided, single submitter. Criteria: Ambry Variant Classification Scheme 2023. Collection method: clinical testing. Allele origin: germline.
Comment: The c.1686+3G>A intronic variant results from a G to A substitution 3 nucleotides after coding exon 15 in the POLE gene. This nucleotide position is not well conserved in available vertebrate species. In silico splice site analysis predicts that this alteration will not have any significant effect on splicing. Based on the available evidence, the clinical significance of this variant remains unclear.

NM_006231.4(POLE):c.1686+3G>A

Gene: POLE (DNA polymerase epsilon, catalytic subunit; minus strand). Cytogenetic location: 12q24.33.
Variant type: single nucleotide variant.
Coding change: c.1686+3G>A on transcript NM_006231.4 (MANE Select); 3 bases into the intron after coding-DNA position 1686, G replaced by A.
Molecular consequence: intron variant.
Genome position (GRCh38, 1-based): chr12:132,672,624, C>T on the plus strand (G>A on the coding strand, the complement: POLE is on the minus strand). VCF-style: chr12-132672624-C-T. GRCh37 (hg19) VCF-style: chr12-133249210-C-T.
Identifiers: ClinVar variation 405840 (VCV000405840.12), dbSNP rs1060500868, ClinGen allele CA16613720.